The following is an entry in ClinVar:

NM_018109.4(MTPAP):c.13G>A (p.Gly5Ser)

Genes: MTPAP (mitochondrial poly(A) polymerase; minus strand), LOC130003598 (ATAC-STARR-seq lymphoblastoid active region 3207; plus strand). Cytogenetic location: 10p11.23.
Variant type: single nucleotide variant.
Coding change: c.13G>A on transcript NM_018109.4 (MANE Select); coding-DNA position 13, G replaced by A.
Protein change: p.Gly5Ser; replaces glycine 5 with serine.
Molecular consequence: missense variant.
Genome position (GRCh38, 1-based): chr10:30,349,263, C>T on the plus strand (G>A on the coding strand, the complement: MTPAP is on the minus strand). VCF-style: chr10-30349263-C-T. GRCh37 (hg19) VCF-style: chr10-30638192-C-T.
Other names: c.13G>A (NM_018109.3); short protein forms G5S.
Identifiers: ClinVar variation 1493195 (VCV001493195.4), dbSNP rs141779374, ClinGen allele CA5459303.

ClinVar aggregate classification (germline): Uncertain significance. Review status: criteria provided, multiple submitters, no conflicts (2 of 4 stars). 2 submissions from 2 submitters: Uncertain significance (2). Last evaluated 2024-07-31.

Conditions:
Inborn genetic diseases. Identifiers: MedGen C0950123, MeSH D030342.

gnomAD v4.1: 20 of 1,486,248 alleles (0.0013%); highest among the groups gnomAD compares: African/African-American, 0.022%; no homozygotes.

Submissions (2):

Ambry Genetics
Classification: Uncertain significance for Inborn genetic diseases. Last evaluated: 2024-07-31. Review status: criteria provided, single submitter. Criteria: Ambry Variant Classification Scheme 2023. Collection method: clinical testing. Allele origin: germline.

Labcorp Genetics (formerly Invitae), Labcorp
Classification: Uncertain significance. Last evaluated: 2022-06-13. Review status: criteria provided, single submitter. Criteria: Invitae Variant Classification Sherloc (09022015). Collection method: clinical testing. Allele origin: germline.
Comment: This sequence change replaces glycine, which is neutral and non-polar, with serine, which is neutral and polar, at codon 5 of the MTPAP protein (p.Gly5Ser). This variant is present in population databases (rs141779374, gnomAD 0.007%). This variant has not been reported in the literature in individuals affected with MTPAP-related conditions. Algorithms developed to predict the effect of missense changes on protein structure and function output the following: SIFT: "Tolerated"; PolyPhen-2: "Benign"; Align-GVGD: "Class C0". The serine amino acid residue is found in multiple mammalian species, which suggests that this missense change does not adversely affect protein function. Algorithms developed to predict the effect of sequence changes on RNA splicing suggest that this variant may create or strengthen a splice site. In summary, the available evidence is currently insufficient to determine the role of this variant in disease. Therefore, it has been classified as a Variant of Uncertain Significance.